The following is an entry in ClinVar:

NM_000891.3(KCNJ2):c.1138G>T (p.Val380Phe)

Gene: KCNJ2 (potassium inwardly rectifying channel subfamily J member 2; plus strand). Cytogenetic location: 17q24.3.
Variant type: single nucleotide variant.
Coding change: c.1138G>T on transcript NM_000891.3 (MANE Select); coding-DNA position 1138, G replaced by T.
Protein change: p.Val380Phe; replaces valine 380 with phenylalanine.
Molecular consequence: missense variant.
Genome position (GRCh38, 1-based): chr17:70,176,177, G>T. VCF-style: chr17-70176177-G-T. GRCh37 (hg19) VCF-style: chr17-68172318-G-T.
Other names: short protein forms V380F.
Identifiers: ClinVar variation 4858646 (VCV004858646.1).

ClinVar aggregate classification (germline): Uncertain significance (1 of 4 stars; one submission).

Conditions:
Cardiovascular phenotype. Identifiers: MedGen CN230736.

Submission:

Ambry Genetics
Classification: Uncertain significance for Cardiovascular phenotype. Last evaluated: 2026-03-21. Review status: criteria provided, single submitter. Criteria: Ambry Variant Classification Scheme 2023. Collection method: clinical testing. Allele origin: germline.
Comment: The p.V380F variant (also known as c.1138G>T), located in coding exon 1 of the KCNJ2 gene, results from a G to T substitution at nucleotide position 1138. The valine at codon 380 is replaced by phenylalanine, an amino acid with highly similar properties. This amino acid position is conserved. In addition, the in silico prediction for this alteration is inconclusive. Based on the available evidence, the clinical significance of this variant remains unclear.